The following is an entry in ClinVar:

NM_017819.4(TRMT10C):c.298A>C (p.Met100Leu)

Gene: TRMT10C (tRNA methyltransferase 10C, mitochondrial RNase P subunit; plus strand). Cytogenetic location: 3q12.3.
Variant type: single nucleotide variant.
Coding change: c.298A>C on transcript NM_017819.4 (MANE Select); coding-DNA position 298, A replaced by C.
Protein change: p.Met100Leu; replaces methionine 100 with leucine.
Molecular consequence: missense variant.
Genome position (GRCh38, 1-based): chr3:101,565,079, A>C. VCF-style: chr3-101565079-A-C. GRCh37 (hg19) VCF-style: chr3-101283923-A-C.
Other names: short protein forms M100L.
Identifiers: ClinVar variation 4743627 (VCV004743627.1).
Genomic context (GRCh38, chr3:101,565,079, plus strand): 5'-TCAACAATCTCAAGCAGTAAGGATGAAGATCCTCTAGCTGCCACCAGAGAGTTCATTGAG[A>C]TGTGGAGATTGCTTGGCAGAGAAGTACCAGAACACATCACTGAAGAAGAGCTCAAAACCC-3'
Protein context (NP_060289.2, residues 90-110): PLAATREFIE[Met100Leu]WRLLGREVPE

ClinVar aggregate classification (germline): Uncertain significance (1 of 4 stars; one submission).

Submission:

Labcorp Genetics (formerly Invitae), Labcorp
Classification: Uncertain significance. Last evaluated: 2025-05-12. Review status: criteria provided, single submitter. Criteria: Invitae Variant Classification Sherloc (09022015). Collection method: clinical testing. Allele origin: germline.
Comment: This sequence change replaces methionine, which is neutral and non-polar, with leucine, which is neutral and non-polar, at codon 100 of the TRMT10C protein (p.Met100Leu). This variant is not present in population databases (gnomAD no frequency). This variant has not been reported in the literature in individuals affected with TRMT10C-related conditions. Invitae Evidence Modeling of protein sequence and biophysical properties (such as structural, functional, and spatial information, amino acid conservation, physicochemical variation, residue mobility, and thermodynamic stability) indicates that this missense variant is not expected to disrupt TRMT10C protein function with a negative predictive value of 80%. In summary, the available evidence is currently insufficient to determine the role of this variant in disease. Therefore, it has been classified as a Variant of Uncertain Significance.